The following is an entry in ClinVar:

NM_001365999.1(SZT2):c.8702C>T (p.Pro2901Leu)

Gene: SZT2 (SZT2 subunit of KICSTOR complex; plus strand). Cytogenetic location: 1p34.2.
Variant type: single nucleotide variant.
Coding change: c.8702C>T on transcript NM_001365999.1 (MANE Select); coding-DNA position 8702, C replaced by T.
Protein change: p.Pro2901Leu; replaces proline 2901 with leucine.
Molecular consequence: missense variant.
Genome position (GRCh38, 1-based): chr1:43,443,673, C>T. VCF-style: chr1-43443673-C-T. GRCh37 (hg19) VCF-style: chr1-43909344-C-T.
Other names: c.8531C>T, p.Pro2844Leu (NM_015284.4); short protein forms P2844L, P2901L.
Identifiers: ClinVar variation 73815 (VCV000073815.60), dbSNP rs139027171, ClinGen allele CA810657.
Genomic context (GRCh38, chr1:43,443,673, plus strand): 5'-AGTCAGGGTCTGGGAGCCGAGAGGCCCCCACAAGCTGTGAATCCTTGGATGTGTCGCCCC[C>T]GGGAGCCCGTGAGGAGCCTTGGCTGAAGGAGCTGAGCTTGGCTTTCCTGCAGCAATATGT-3'
Protein context (NP_001352928.1, residues 2891-2911): TSCESLDVSP[Pro2901Leu]GAREEPWLKE

ClinVar aggregate classification (germline): Benign/Likely benign. Review status: criteria provided, multiple submitters, no conflicts (2 of 4 stars). 8 submissions from 8 submitters: Benign (2); Likely benign (3). 3 of the submissions do not count toward it. Last evaluated 2026-03-01.

Conditions:
SZT2-related disorder. Also called: SZT2-related condition.
Inborn genetic diseases. Identifiers: MedGen C0950123, MeSH D030342.

Allele frequency attached by ClinVar (database versions not stated): 1000 Genomes Project 30x 0.00031; 1000 Genomes Project 0.00040; TOPMed 0.00080; ESP Exome Variant Server 0.00092; gnomAD 0.00093; gnomAD exomes 0.00098 and 0.00122; ExAC 0.00102.

Submissions (8):

CeGaT Center for Human Genetics Tuebingen
Classification: Likely benign. Last evaluated: 2026-03-01. Review status: criteria provided, single submitter. Criteria: CeGaT Center For Human Genetics Tuebingen Variant Classification Criteria Version 2. Collection method: clinical testing. Allele origin: germline. Affected: yes. Observed: 7 variant alleles.
Comment: SZT2: BP4, BS2

Labcorp Genetics (formerly Invitae), Labcorp
Classification: Benign. Last evaluated: 2026-01-19. Review status: criteria provided, single submitter. Criteria: Invitae Variant Classification Sherloc (09022015). Collection method: clinical testing. Allele origin: germline.

Blueprint Genetics
Classification: Likely benign. Last evaluated: 2024-11-25. Review status: criteria provided, single submitter. Criteria: ACMG Guidelines, 2015. Collection method: clinical testing. Allele origin: germline.

Ambry Genetics
Classification: Benign for Inborn genetic diseases. Last evaluated: 2024-02-29. Review status: criteria provided, single submitter. Criteria: Ambry Variant Classification Scheme 2023. Collection method: clinical testing. Allele origin: germline.

GeneDx
Classification: Likely benign. Last evaluated: 2020-12-09. Review status: criteria provided, single submitter. Criteria: GeneDx Variant Classification Process June 2021. Collection method: clinical testing. Allele origin: germline. Affected: yes.

PreventionGenetics, part of Exact Sciences
Classification: Likely benign for SZT2-related condition. Last evaluated: 2022-08-25. Review status: no assertion criteria provided. Collection method: clinical testing. Allele origin: germline. Not counted in ClinVar's aggregate classification.
Comment: This variant is classified as likely benign based on ACMG/AMP sequence variant interpretation guidelines (Richards et al. 2015 PMID: 25741868, with internal and published modifications).

Clinical Genetics DNA and cytogenetics Diagnostics Lab, Erasmus MC, Erasmus Medical Center
Classification: Likely benign. Review status: no assertion criteria provided. Collection method: clinical testing. Allele origin: germline. Affected: yes. Study: VKGL Data-share Consensus. Not counted in ClinVar's aggregate classification.

Genome Diagnostics Laboratory, University Medical Center Utrecht
Classification: Likely benign. Review status: no assertion criteria provided. Collection method: clinical testing. Allele origin: germline. Affected: yes. Study: VKGL Data-share Consensus. Not counted in ClinVar's aggregate classification.